The following is an entry in ClinVar:

ClinVar aggregate classification (germline): Uncertain significance (1 of 4 stars; one submission).

Conditions:
Hereditary pancreatitis (PCTT). Also called: Hereditary chronic pancreatitis; PRSS1-Related Hereditary Pancreatitis. Identifiers: Orphanet 676, MedGen C0238339, MONDO:0008185, OMIM 167800.

Submission:

Ambry Genetics
Classification: Uncertain significance for Hereditary pancreatitis. Last evaluated: 2025-08-01. Review status: criteria provided, single submitter. Criteria: Ambry Variant Classification Scheme 2023. Collection method: clinical testing. Allele origin: germline.
Comment: The p.S61F variant (also known as c.182C>T), located in coding exon 3 of the CPA1 gene, results from a C to T substitution at nucleotide position 182. The serine at codon 61 is replaced by phenylalanine, an amino acid with highly dissimilar properties. This amino acid position is conserved. In addition, this alteration is predicted to be tolerated by in silico analysis. Since supporting evidence is limited at this time, the clinical significance of this alteration remains unclear.

NM_001868.4(CPA1):c.182C>T (p.Ser61Phe)

Gene: CPA1 (carboxypeptidase A1; plus strand). Cytogenetic location: 7q32.2.
Variant type: single nucleotide variant.
Coding change: c.182C>T on transcript NM_001868.4 (MANE Select); coding-DNA position 182, C replaced by T.
Protein change: p.Ser61Phe; replaces serine 61 with phenylalanine.
Molecular consequence: missense variant.
Genome position (GRCh38, 1-based): chr7:130,381,664, C>T. VCF-style: chr7-130381664-C-T. GRCh37 (hg19) VCF-style: chr7-130021505-C-T.
Other names: short protein forms S61F.
Identifiers: ClinVar variation 1780918 (VCV001780918.3), dbSNP rs2536005092, ClinGen allele CA369279670.